The following is an entry in ClinVar:

NM_182914.3(SYNE2):c.18265G>A (p.Val6089Ile)

Gene: SYNE2 (spectrin repeat containing nuclear envelope protein 2; plus strand). Cytogenetic location: 14q23.2.
Variant type: single nucleotide variant.
Coding change: c.18265G>A on transcript NM_182914.3 (MANE Select); coding-DNA position 18265, G replaced by A.
Protein change: p.Val6089Ile; replaces valine 6089 with isoleucine.
Molecular consequence: missense variant.
Genome position (GRCh38, 1-based): chr14:64,208,821, G>A. VCF-style: chr14-64208821-G-A. GRCh37 (hg19) VCF-style: chr14-64675539-G-A.
Other names: c.18265G>A (NM_182914.2); c.18265G>A, p.Val6089Ile (NM_015180.6); short protein forms V6089I.
Identifiers: ClinVar variation 282506 (VCV000282506.11), dbSNP rs759251568, ClinGen allele CA7224026.

ClinVar aggregate classification (germline): Uncertain significance. Review status: criteria provided, multiple submitters, no conflicts (2 of 4 stars). 3 submissions from 3 submitters: Uncertain significance (3). Last evaluated 2022-11-09.

Conditions:
Emery-Dreifuss muscular dystrophy 5, autosomal dominant (EDMD5). Also called: EMERY-DREIFUSS MUSCULAR DYSTROPHY 5. Identifiers: Orphanet 261, MedGen C2751805, MONDO:0013072, OMIM 612999.

Allele frequency attached by ClinVar (database versions not stated): gnomAD exomes 0.00002 and 0.00010; ExAC 0.00003; gnomAD 0.00005; TOPMed 0.00006.
gnomAD v4.1: 144 of 1,614,094 alleles (0.0089%); highest among the groups gnomAD compares: Non-Finnish European, 0.012%; no homozygotes.

Submissions (3):

Labcorp Genetics (formerly Invitae), Labcorp
Classification: Uncertain significance for Emery-Dreifuss muscular dystrophy 5, autosomal dominant. Last evaluated: 2022-11-09. Review status: criteria provided, single submitter. Criteria: Invitae Variant Classification Sherloc (09022015). Collection method: clinical testing. Allele origin: germline.
Comment: This sequence change replaces valine, which is neutral and non-polar, with isoleucine, which is neutral and non-polar, at codon 6089 of the SYNE2 protein (p.Val6089Ile). This variant is present in population databases (rs759251568, gnomAD 0.005%). This variant has not been reported in the literature in individuals affected with SYNE2-related conditions. ClinVar contains an entry for this variant (Variation ID: 282506). Algorithms developed to predict the effect of missense changes on protein structure and function are either unavailable or do not agree on the potential impact of this missense change (SIFT: "Tolerated"; PolyPhen-2: "Probably Damaging"; Align-GVGD: "Class C0"). In summary, the available evidence is currently insufficient to determine the role of this variant in disease. Therefore, it has been classified as a Variant of Uncertain Significance.

Revvity Omics, Revvity
Classification: Uncertain significance for Emery-Dreifuss muscular dystrophy 5, autosomal dominant. Last evaluated: 2022-03-21. Review status: criteria provided, single submitter. Criteria: ACMG Guidelines, 2015. Collection method: clinical testing. Allele origin: germline.

Eurofins Ntd Llc (ga)
Classification: Uncertain significance. Last evaluated: 2015-08-17. Review status: criteria provided, single submitter. Criteria: EGL Classification Definitions 2015. Collection method: clinical testing. Allele origin: germline. Observed: 1 variant allele, 1 heterozygote.